The following is an entry in ClinVar:

NM_012463.4(ATP6V0A2):c.2553C>T (p.Asn851=)

Gene: ATP6V0A2 (ATPase H+ transporting V0 subunit a2; plus strand). Cytogenetic location: 12q24.31.
Variant type: single nucleotide variant.
Coding change: c.2553C>T on transcript NM_012463.4 (MANE Select); coding-DNA position 2553, C replaced by T.
Protein change: p.Asn851=; no amino-acid change (asparagine 851 retained).
Molecular consequence: synonymous variant.
Genome position (GRCh38, 1-based): chr12:123,758,014, C>T. VCF-style: chr12-123758014-C-T. GRCh37 (hg19) VCF-style: chr12-124242561-C-T.
Other names: c.2553C>T (NM_012463.3).
Identifiers: ClinVar variation 2896520 (VCV002896520.4), dbSNP rs373576446, ClinGen allele CA6862290.

ClinVar aggregate classification (germline): Likely benign. Review status: criteria provided, multiple submitters, no conflicts (2 of 4 stars). 2 submissions from 2 submitters: Likely benign (2). Last evaluated 2025-12-22.

Conditions:
ALG9 congenital disorder of glycosylation (CDG1L). Also called: CDG Il; ALG9-CDG; CONGENITAL DISORDER OF GLYCOSYLATION, TYPE Il. Identifiers: Orphanet 79328, MedGen C2931006, MONDO:0012117, OMIM 608776.
ATP6V0A2-related disorder. Also called: ATP6V0A2-related condition.

Allele frequency attached by ClinVar (database versions not stated): ExAC 0.00001; gnomAD exomes 0.00002; TOPMed 0.00003; gnomAD 0.00004; ESP Exome Variant Server 0.00008.
gnomAD v4.1: 27 of 1,610,534 alleles (0.0017%); highest among the groups gnomAD compares: African/African-American, 0.0054%; no homozygotes.

Submissions (2):

Labcorp Genetics (formerly Invitae), Labcorp
Classification: Likely benign for ALG9 congenital disorder of glycosylation. Last evaluated: 2025-12-22. Review status: criteria provided, single submitter. Criteria: Invitae Variant Classification Sherloc (09022015). Collection method: clinical testing. Allele origin: germline.

PreventionGenetics, part of Exact Sciences
Classification: Likely benign for ATP6V0A2-related condition. Last evaluated: 2025-06-17. Review status: criteria provided, single submitter. Criteria: ACMG Guidelines, 2015. Collection method: clinical testing. Allele origin: germline.
Comment: This variant is classified as likely benign based on ACMG/AMP sequence variant interpretation guidelines (Richards et al. 2015 PMID: 25741868, with internal and published modifications).